The following is an entry in ClinVar:

NM_006767.4(LZTR1):c.2114A>T (p.Gln705Leu)

Gene: LZTR1 (leucine zipper like post translational regulator 1; plus strand). Cytogenetic location: 22q11.21.
Variant type: single nucleotide variant.
Coding change: c.2114A>T on transcript NM_006767.4 (MANE Select); coding-DNA position 2114, A replaced by T.
Protein change: p.Gln705Leu; replaces glutamine 705 with leucine.
Molecular consequence: missense variant.
Genome position (GRCh38, 1-based): chr22:20,996,007, A>T. VCF-style: chr22-20996007-A-T. GRCh37 (hg19) VCF-style: chr22-21350296-A-T.
Other names: short protein forms Q705L.
Identifiers: ClinVar variation 4859436 (VCV004859436.1).

ClinVar aggregate classification (germline): Uncertain significance (1 of 4 stars; one submission).

Conditions:
Cardiovascular phenotype. Identifiers: MedGen CN230736.
Hereditary cancer-predisposing syndrome. Also called: Neoplastic Syndromes, Hereditary; Tumor predisposition; Hereditary Cancer Syndrome; Hereditary neoplastic syndrome. Identifiers: Orphanet 140162, MedGen C0027672, MeSH D009386, MONDO:0015356.

Submission:

Ambry Genetics
Classification: Uncertain significance for Cardiovascular phenotype; Hereditary cancer-predisposing syndrome. Last evaluated: 2026-06-10. Review status: criteria provided, single submitter. Criteria: Ambry Variant Classification Scheme 2023. Collection method: clinical testing. Allele origin: germline.
Comment: The p.Q705L variant (also known as c.2114A>T), located in coding exon 18 of the LZTR1 gene, results from an A to T substitution at nucleotide position 2114. The glutamine at codon 705 is replaced by leucine, an amino acid with dissimilar properties. This amino acid position is conserved. In addition, the in silico prediction for this alteration is inconclusive. Based on the available evidence, the clinical significance of this variant remains unclear.